The following is an entry in ClinVar:

NC_000016.9:g.(?_2093548)_(2104461_?)dup

Genes: NTHL1 (nth like DNA glycosylase 1; minus strand), TSC2 (TSC complex subunit 2; plus strand). Cytogenetic location: 16p13.3.
Variant type: Duplication.
Identifiers: ClinVar variation 2423298 (VCV002423298.4).

ClinVar aggregate classification (germline): Uncertain significance (1 of 4 stars; one submission).

Conditions:
Tuberous sclerosis 2 (TSC2). Identifiers: Orphanet 805, MedGen C1860707, MONDO:0013199, OMIM 613254.

Submission:

Labcorp Genetics (formerly Invitae), Labcorp
Classification: Uncertain significance for Tuberous sclerosis 2. Last evaluated: 2022-09-22. Review status: criteria provided, single submitter. Criteria: Invitae Variant Classification Sherloc (09022015). Collection method: clinical testing. Allele origin: germline.
Comment: In summary, the available evidence is currently insufficient to determine the role of this variant in disease. Therefore, it has been classified as a Variant of Uncertain Significance. This variant has not been reported in the literature in individuals affected with TSC2-related conditions. This variant results in a copy number gain of the genomic region encompassing exon(s) 1-5 of the TSC2 gene. This region includes the initiator codon of the gene. This copy number gain extends beyond the assayed region for this gene and therefore may encompass additional genes. As the precise location of this event is unknown, it may be in tandem or it may be located elsewhere in the genome.